The following is an entry in ClinVar:

NM_058216.3(RAD51C):c.969_977delinsTCTTTAAGCAG (p.Leu323_Leu326delinsPheLeuTer)

Gene: RAD51C (RAD51 paralog C; plus strand). Cytogenetic location: 17q22.
Variant type: Indel.
Coding change: c.969_977delinsTCTTTAAGCAG on transcript NM_058216.3 (MANE Select); coding-DNA positions 969 to 977, GGCAACATT replaced by TCTTTAAGCAG.
Protein change: p.Leu323_Leu326delinsPheLeuTer.
Molecular consequence: nonsense. On other transcripts: non-coding transcript variant (1).
Genome position (GRCh38, 1-based): chr17:58,732,487-58,732,495, GGCAACATT replaced by TCTTTAAGCAG. VCF-style: chr17-58732487-GGCAACATT-TCTTTAAGCAG. GRCh37 (hg19) VCF-style: chr17-56809848-GGCAACATT-TCTTTAAGCAG.
Other names: c.*397_*405delGGCAACATTinsTCTTTAAGCAG (NM_058217.1).
Identifiers: ClinVar variation 3148587 (VCV003148587.1), dbSNP rs2509363884, ClinGen allele CA2825002584.

ClinVar aggregate classification (germline): Pathogenic (1 of 4 stars; one submission).

Conditions:
Breast-ovarian cancer, familial, susceptibility to, 3. Also called: RAD51C-Related Breast/Ovarian Cancer. Identifiers: Orphanet 145, MedGen C3150659, MONDO:0013253, OMIM 613399.

Submission:

Myriad Genetics, Inc.
Classification: Pathogenic for Breast-ovarian cancer, familial, susceptibility to, 3. Last evaluated: 2024-03-14. Review status: criteria provided, single submitter. Criteria: Myriad Autosomal Dominant, Autosomal Recessive and X-Linked Classification Criteria (2023). Collection method: clinical testing. Allele origin: unknown.
Comment: This variant is considered pathogenic. This variant creates a frameshift predicted to result in premature protein truncation.